The following is an entry in ClinVar:

ClinVar aggregate classification (germline): Pathogenic (1 of 4 stars; one submission).

Conditions:
Early-infantile DEE. Also called: Early infantile epileptic encephalopathy; Early infantile epileptic encephalopathy with suppression bursts; Ohtahara syndrome. Identifiers: Orphanet 1934, MedGen C0393706, MONDO:0800491.

Submission:

Labcorp Genetics (formerly Invitae), Labcorp
Classification: Pathogenic for Early-infantile DEE. Last evaluated: 2023-10-27. Review status: criteria provided, single submitter. Criteria: Invitae Variant Classification Sherloc (09022015). Collection method: clinical testing. Allele origin: germline.
Comment: This sequence change replaces aspartic acid, which is acidic and polar, with glycine, which is neutral and non-polar, at codon 936 of the SCN1A protein (p.Asp936Gly). This variant is not present in population databases (gnomAD no frequency). This missense change has been observed in individual(s) with SCN1A-related conditions (Invitae). In at least one individual the variant was observed to be de novo. Advanced modeling of protein sequence and biophysical properties (such as structural, functional, and spatial information, amino acid conservation, physicochemical variation, residue mobility, and thermodynamic stability) performed at Invitae indicates that this missense variant is expected to disrupt SCN1A protein function with a positive predictive value of 95%. This variant disrupts the p.Asp936Ala amino acid residue in SCN1A. Other variant(s) that disrupt this residue have been determined to be pathogenic (Invitae). This suggests that this residue is clinically significant, and that variants that disrupt this residue are likely to be disease-causing. For these reasons, this variant has been classified as Pathogenic.

NM_001165963.4(SCN1A):c.2807A>G (p.Asp936Gly)

Gene: SCN1A (sodium voltage-gated channel alpha subunit 1; minus strand). Cytogenetic location: 2q24.3.
Variant type: single nucleotide variant.
Coding change: c.2807A>G on transcript NM_001165963.4 (MANE Select); coding-DNA position 2807, A replaced by G.
Protein change: p.Asp936Gly; replaces aspartic acid 936 with glycine.
Molecular consequence: missense variant. On other transcripts: non-coding transcript variant (1).
Genome position (GRCh38, 1-based): chr2:166,037,915, T>C on the plus strand (A>G on the coding strand, the complement: SCN1A is on the minus strand). VCF-style: chr2-166037915-T-C. GRCh37 (hg19) VCF-style: chr2-166894425-T-C.
Other names: c.2723A>G, p.Asp908Gly (NM_001165964.3, NM_001353957.2, NM_001353958.2); c.2807A>G, p.Asp936Gly (NM_001202435.3, NM_001353948.2); c.2774A>G, p.Asp925Gly (NM_001353949.2, NM_001353950.2, NM_001353951.2 and 2 more transcripts); c.2771A>G, p.Asp924Gly (NM_001353954.2, NM_001353955.2); c.2720A>G, p.Asp907Gly (NM_001353960.2); c.365A>G, p.Asp122Gly (NM_001353961.2); short protein forms D925G, D122G, D908G, D907G, D924G, D936G.
Identifiers: ClinVar variation 2834229 (VCV002834229.3), dbSNP rs2468096951, ClinGen allele CA349061330.